The following is an entry in ClinVar:

NM_000051.4(ATM):c.4130A>G (p.Asn1377Ser)

Gene: ATM (ATM serine/threonine kinase; plus strand). Cytogenetic location: 11q22.3.
Variant type: single nucleotide variant.
Coding change: c.4130A>G on transcript NM_000051.4 (MANE Select); coding-DNA position 4130, A replaced by G.
Protein change: p.Asn1377Ser; replaces asparagine 1377 with serine.
Molecular consequence: missense variant.
Genome position (GRCh38, 1-based): chr11:108,288,997, A>G. VCF-style: chr11-108288997-A-G. GRCh37 (hg19) VCF-style: chr11-108159724-A-G.
Other names: c.4130A>G, p.Asn1377Ser (NM_001351834.2); short protein forms N1377S.
Identifiers: ClinVar variation 584789 (VCV000584789.4), dbSNP rs1565454896, ClinGen allele CA382529848.

ClinVar aggregate classification (germline): Uncertain significance. Review status: criteria provided, multiple submitters, no conflicts (2 of 4 stars). 2 submissions from 2 submitters: Uncertain significance (2). Last evaluated 2023-06-13.

Conditions:
Ataxia-telangiectasia syndrome (AT). Also called: Ataxia-telangiectasia, complementation group D; AT, COMPLEMENTATION GROUP C; Ataxia-telangiectasia, complementation group E; Cerebello-oculocutaneous telangiectasia; Immunodeficiency with ataxia telangiectasia; ATAXIA-TELANGIECTASIA, COMPLEMENTATION GROUP A. Identifiers: Orphanet 100, MedGen C0004135, MONDO:0008840, OMIM 208900.
Hereditary cancer-predisposing syndrome. Also called: Neoplastic Syndromes, Hereditary; Hereditary Cancer Syndrome; Tumor predisposition; Hereditary neoplastic syndrome. Identifiers: Orphanet 140162, MedGen C0027672, MeSH D009386, MONDO:0015356.

Submissions (2):

Color Diagnostics, LLC DBA Color Health
Classification: Uncertain significance for Hereditary cancer-predisposing syndrome. Last evaluated: 2023-06-13. Review status: criteria provided, single submitter. Criteria: ACMG Guidelines, 2015. Collection method: clinical testing. Allele origin: germline.
Comment: This missense variant replaces asparagine with serine at codon 1377 of the ATM protein. Computational prediction suggests that this variant may not impact protein structure and function (internally defined REVEL score threshold <= 0.5, PMID: 27666373). To our knowledge, functional studies have not been reported for this variant. This variant has not been reported in individuals affected with ATM-related disorders in the literature. This variant has not been identified in the general population by the Genome Aggregation Database (gnomAD). The available evidence is insufficient to determine the role of this variant in disease conclusively. Therefore, this variant is classified as a Variant of Uncertain Significance.

Mendelics
Classification: Uncertain significance for Ataxia-telangiectasia syndrome. Last evaluated: 2018-07-02. Review status: criteria provided, single submitter. Criteria: Mendelics Assertion Criteria 2017. Collection method: clinical testing. Allele origin: unknown.